The following is an entry in ClinVar:

ClinVar aggregate classification (germline): Uncertain significance (1 of 4 stars; one submission).

Submission:

Labcorp Genetics (formerly Invitae), Labcorp
Classification: Uncertain significance. Last evaluated: 2024-07-19. Review status: criteria provided, single submitter. Criteria: Invitae Variant Classification Sherloc (09022015). Collection method: clinical testing. Allele origin: germline.
Comment: This sequence change replaces isoleucine, which is neutral and non-polar, with serine, which is neutral and polar, at codon 201 of the CHRM2 protein (p.Ile201Ser). This variant is not present in population databases (gnomAD no frequency). This variant has not been reported in the literature in individuals affected with CHRM2-related conditions. An algorithm developed to predict the effect of missense changes on protein structure and function (PolyPhen-2) suggests that this variant is likely to be disruptive. In summary, the available evidence is currently insufficient to determine the role of this variant in disease. Therefore, it has been classified as a Variant of Uncertain Significance.

NM_001006630.2(CHRM2):c.602T>G (p.Ile201Ser)

Genes: CHRM2 (cholinergic receptor muscarinic 2; plus strand), LOC349160 (uncharacterized LOC349160; minus strand). Cytogenetic location: 7q33.
Variant type: single nucleotide variant.
Coding change: c.602T>G on transcript NM_001006630.2 (MANE Select); coding-DNA position 602, T replaced by G.
Protein change: p.Ile201Ser; replaces isoleucine 201 with serine.
Molecular consequence: missense variant.
Genome position (GRCh38, 1-based): chr7:137,015,467, T>G. VCF-style: chr7-137015467-T-G. GRCh37 (hg19) VCF-style: chr7-136700214-T-G.
Other names: c.602T>G, p.Ile201Ser (NM_001006628.3, NM_001006629.3, NM_001006631.3 and 6 more transcripts); short protein forms I201S.
Identifiers: ClinVar variation 3659906 (VCV003659906.2).